The following is an entry in ClinVar:

ClinVar aggregate classification (germline): Pathogenic (1 of 4 stars; one submission).

Conditions:
Congenital contractural arachnodactyly (CCA). Also called: BEALS SYNDROME; Beals-Hecht syndrome; Arthrogryposis, distal, type 9. Identifiers: Orphanet 115, MedGen C0220668, MONDO:0007363, OMIM 121050.

Submission:

Labcorp Genetics (formerly Invitae), Labcorp
Classification: Pathogenic for Congenital contractural arachnodactyly. Last evaluated: 2021-02-02. Review status: criteria provided, single submitter. Criteria: Invitae Variant Classification Sherloc (09022015). Collection method: clinical testing. Allele origin: germline.
Comment: This variant is not present in population databases (ExAC no frequency). For these reasons, this variant has been classified as Pathogenic. Algorithms developed to predict the effect of sequence changes on RNA splicing suggest that this variant may disrupt the consensus splice site, but this prediction has not been confirmed by published transcriptional studies. This variant has been observed in individual(s) with clinical features of FBN2-related conditions (Invitae). In at least one individual the variant was observed to be de novo. This variant results in the deletion of part of exon 35 (c.4592_4594+3del) of the FBN2 gene. It is expected to disrupt RNA splicing. Variants that disrupt the donor or acceptor splice site typically lead to a loss of protein function (PMID: 16199547), however the current clinical and genetic evidence is not sufficient to establish whether loss-of-function variants in FBN2 cause disease.

Literature cited by the submitters: PubMed 16199547.

NM_001999.4(FBN2):c.4592_4594+3del

Gene: FBN2 (fibrillin 2; minus strand). Cytogenetic location: 5q23.3.
Variant type: Deletion.
Coding change: c.4592_4594+3del on transcript NM_001999.4 (MANE Select); coding-DNA position 4592 through 3 bases into the intron after coding-DNA position 4594, 6 bases deleted (CAGGTA; older notation c.4592_4594+3delCAGGTA).
Molecular consequence: splice donor variant.
Genome position (GRCh38, 1-based): chr5:128,318,876-128,318,881, TACCTG deleted on the plus strand (CAGGTA on the coding strand, the reverse complement: FBN2 is on the minus strand); deleting any 6 consecutive bases within chr5:128,318,876-128,318,884 gives the same sequence; the c. name uses the placement nearest the transcript's 3' end. VCF-style (leftmost placement, unchanged base first): chr5-128318875-ATACCTG-A. GRCh37 (hg19) VCF-style: chr5-127654567-ATACCTG-A.
Identifiers: ClinVar variation 1420674 (VCV001420674.6), dbSNP rs2126854512, ClinGen allele CA2573138723.